The following is an entry in ClinVar:

ClinVar aggregate classification (germline): Conflicting classifications of pathogenicity. Review status: criteria provided, conflicting classifications (1 of 4 stars). 2 submissions from 2 submitters: Uncertain significance (1); Likely benign (1). Last evaluated 2023-03-23.

Conditions:
Hereditary cancer-predisposing syndrome. Also called: Hereditary neoplastic syndrome; Tumor predisposition; Neoplastic Syndromes, Hereditary; Hereditary Cancer Syndrome. Identifiers: Orphanet 140162, MedGen C0027672, MeSH D009386, MONDO:0015356.
Hereditary breast ovarian cancer syndrome. Also called: Hereditary breast and ovarian cancer; Hereditary breast and/or ovarian cancer syndrome; Breast and ovarian cancer; BRCA1- and BRCA2-Associated Hereditary Breast and Ovarian Cancer; Hereditary breast and ovarian cancer syndrome; Hereditary breast and ovarian cancer syndrome (HBOC). Identifiers: Orphanet 145, MedGen C0677776, MeSH D061325, MONDO:0003582. Disease mechanism: loss of function.

Submissions (2):

University of Washington Department of Laboratory Medicine, University of Washington
Classification: Likely benign for Hereditary cancer-predisposing syndrome. Last evaluated: 2023-03-23. Review status: criteria provided, single submitter. Criteria: Dines et al. (Genet Med. 2020). Collection method: curation. Allele origin: germline.
Comment: Missense variant in a coldspot region where missense variants are very unlikely to be pathogenic (PMID:31911673).

BRCA1 coldspot (exon 11 using historical exon numbering). Reclassification based on statistical prior probability

Labcorp Genetics (formerly Invitae), Labcorp
Classification: Uncertain significance for Hereditary breast ovarian cancer syndrome. Last evaluated: 2018-10-20. Review status: criteria provided, single submitter. Criteria: Invitae Variant Classification Sherloc (09022015). Collection method: clinical testing. Allele origin: germline.
Comment: In summary, the available evidence is currently insufficient to determine the role of this variant in disease. Therefore, it has been classified as a Variant of Uncertain Significance. Algorithms developed to predict the effect of missense changes on protein structure and function output the following: SIFT: "Tolerated"; PolyPhen-2: "Benign"; Align-GVGD: "Class C0". The proline amino acid residue is found in multiple mammalian species, suggesting that this missense change does not adversely affect protein function. These predictions have not been confirmed by published functional studies and their clinical significance is uncertain. This variant has not been reported in the literature in individuals with BRCA1-related disease. This variant is not present in population databases (ExAC no frequency). This sequence change replaces serine with proline at codon 645 of the BRCA1 protein (p.Ser645Pro). The serine residue is moderately conserved and there is a moderate physicochemical difference between serine and proline.

NM_007294.4(BRCA1):c.1933T>C (p.Ser645Pro)

Gene: BRCA1 (BRCA1 DNA repair associated; minus strand). Cytogenetic location: 17q21.31.
Variant type: single nucleotide variant.
Coding change: c.1933T>C on transcript NM_007294.4 (MANE Select); coding-DNA position 1933, T replaced by C.
Protein change: p.Ser645Pro; replaces serine 645 with proline.
Molecular consequence: missense variant. On other transcripts: intron variant (137).
Genome position (GRCh38, 1-based): chr17:43,093,598, A>G on the plus strand (T>C on the coding strand, the complement: BRCA1 is on the minus strand). VCF-style: chr17-43093598-A-G. GRCh37 (hg19) VCF-style: chr17-41245615-A-G.
Other names: c.1789T>C, p.Ser597Pro (NM_001407841.1, NM_001407846.1, NM_001407844.1 and 20 more transcripts); c.1933T>C, p.Ser645Pro (NM_001407859.1, NM_001407603.1, NM_001407605.1 and 30 more transcripts); c.1930T>C, p.Ser644Pro (NM_001407860.1, NM_001407861.1, NM_001407610.1 and 22 more transcripts); c.1732T>C, p.Ser578Pro (NM_001407862.1); c.1810T>C, p.Ser604Pro (NM_001407863.1, NM_001407648.1, NM_001407668.1 and 19 more transcripts); c.1729T>C, p.Ser577Pro (NM_001407874.1, NM_001407875.1); c.1723T>C, p.Ser575Pro (NM_001407879.1, NM_001407881.1, NM_001407882.1 and 13 more transcripts); c.1924T>C, p.Ser642Pro (NM_001407647.1, NM_001407646.1); and 40 more; short protein forms S598P, S645P, S349P, S518P, S533P, S557P, S578P, S644P.
Identifiers: ClinVar variation 654416 (VCV000654416.12), dbSNP rs1597873252, ClinGen allele CA10598160.